The following is an entry in ClinVar:

NM_015570.4(AUTS2):c.2273G>A (p.Gly758Asp)

Gene: AUTS2 (activator of transcription and developmental regulator AUTS2; plus strand). Cytogenetic location: 7q11.22.
Variant type: single nucleotide variant.
Coding change: c.2273G>A on transcript NM_015570.4 (MANE Select); coding-DNA position 2273, G replaced by A.
Protein change: p.Gly758Asp; replaces glycine 758 with aspartic acid.
Molecular consequence: missense variant.
Genome position (GRCh38, 1-based): chr7:70,786,003, G>A. VCF-style: chr7-70786003-G-A. GRCh37 (hg19) VCF-style: chr7-70250989-G-A.
Other names: c.2201G>A, p.Gly734Asp (NM_001127231.3); short protein forms G758D, G734D.
Identifiers: ClinVar variation 2772508 (VCV002772508.3), dbSNP rs2484919760, ClinGen allele CA367663723.

ClinVar aggregate classification (germline): Uncertain significance (1 of 4 stars; one submission).

Submission:

Labcorp Genetics (formerly Invitae), Labcorp
Classification: Uncertain significance. Last evaluated: 2023-10-28. Review status: criteria provided, single submitter. Criteria: Invitae Variant Classification Sherloc (09022015). Collection method: clinical testing. Allele origin: germline.
Comment: This sequence change replaces glycine, which is neutral and non-polar, with aspartic acid, which is acidic and polar, at codon 758 of the AUTS2 protein (p.Gly758Asp). This variant is not present in population databases (gnomAD no frequency). This variant has not been reported in the literature in individuals affected with AUTS2-related conditions. Advanced modeling of protein sequence and biophysical properties (such as structural, functional, and spatial information, amino acid conservation, physicochemical variation, residue mobility, and thermodynamic stability) performed at Invitae indicates that this missense variant is not expected to disrupt AUTS2 protein function with a negative predictive value of 80%. In summary, the available evidence is currently insufficient to determine the role of this variant in disease. Therefore, it has been classified as a Variant of Uncertain Significance.